The following is an entry in ClinVar:

ClinVar aggregate classification (germline): Pathogenic. Review status: criteria provided, multiple submitters, no conflicts (2 of 4 stars). 2 submissions from 2 submitters: Pathogenic (2). Last evaluated 2023-10-28.

Conditions:
Cardiovascular phenotype. Identifiers: MedGen CN230736.
Arrhythmogenic cardiomyopathy with wooly hair and keratoderma. Also called: PALMOPLANTAR KERATODERMA WITH LEFT VENTRICULAR CARDIOMYOPATHY AND WOOLLY HAIR; Arrhythmogenic cardiomyopathy with woolly hair and keratoderma; Dilated cardiomyopathy with woolly hair and keratoderma; Carvajal syndrome. Identifiers: Orphanet 65282, MedGen C1854063, MONDO:0011581, OMIM 605676.
Arrhythmogenic right ventricular dysplasia 8 (ARVD8). Also called: ARRHYTHMOGENIC RIGHT VENTRICULAR CARDIOMYOPATHY 8; ARRHYTHMOGENIC RIGHT VENTRICULAR DYSPLASIA, FAMILIAL, 8; Arrhythmogenic Right Ventricular Dysplasia/Cardiomyopathy 8. Identifiers: MedGen C1843896, MONDO:0011831, OMIM 607450.

Submissions (2):

Labcorp Genetics (formerly Invitae), Labcorp
Classification: Pathogenic for Arrhythmogenic cardiomyopathy with wooly hair and keratoderma; Arrhythmogenic right ventricular dysplasia 8. Last evaluated: 2023-10-28. Review status: criteria provided, single submitter. Criteria: Invitae Variant Classification Sherloc (09022015). Collection method: clinical testing. Allele origin: germline.
Comment: This sequence change creates a premature translational stop signal (p.Tyr619*) in the DSP gene. It is expected to result in an absent or disrupted protein product. Loss-of-function variants in DSP are known to be pathogenic (PMID: 20716751, 24503780, 25227139). This variant is not present in population databases (gnomAD no frequency). This variant has not been reported in the literature in individuals affected with DSP-related conditions. ClinVar contains an entry for this variant (Variation ID: 519028). For these reasons, this variant has been classified as Pathogenic.

Ambry Genetics
Classification: Pathogenic for Cardiovascular phenotype. Last evaluated: 2017-09-14. Review status: criteria provided, single submitter. Criteria: Ambry Variant Classification Scheme 2023. Collection method: clinical testing. Allele origin: germline.
Comment: The p.Y619* pathogenic mutation (also known as c.1857C>A), located in coding exon 14 of the DSP gene, results from a C to A substitution at nucleotide position 1857. This changes the amino acid from a tyrosine to a stop codon within coding exon 14. Alterations in DSP that result in haploinsufficiency or protein truncation have been reported in patients with arrhythmogenic right ventricular cardiomyopathy (ARVC) and dilated cardiomyopathy (DCM) (Fressart V et al. Europace. 2010;12(6):861-8; Elliott P et al. Circ Cardiovasc Genet. 2010;3(4):314-22; Quarta G et al. Circulation. 2011;123(23):2701-9; Garcia-Pavia P et al. Heart. 2011;97(21):1744-52; Rasmussen TB et al. Clin Genet. 2013;84(1):20-30; Pugh TJ et al. Genet Med. 2014;16(8):601-8). This alteration is expected to result in loss of function by premature protein truncation or nonsense-mediated mRNA decay. As such, this alteration is interpreted as a disease-causing mutation.

Literature cited by the submitters: PubMed 20716751 (cited by Labcorp Genetics (formerly Invitae), Labcorp); PubMed 24503780 (cited by Labcorp Genetics (formerly Invitae), Labcorp); PubMed 25227139 (cited by Labcorp Genetics (formerly Invitae), Labcorp).

NM_004415.4(DSP):c.1857C>A (p.Tyr619Ter)

Gene: DSP (desmoplakin; plus strand). Cytogenetic location: 6p24.3.
Variant type: single nucleotide variant.
Coding change: c.1857C>A on transcript NM_004415.4 (MANE Select); coding-DNA position 1857, C replaced by A.
Protein change: p.Tyr619Ter; replaces tyrosine 619 with a stop codon.
Molecular consequence: nonsense.
Genome position (GRCh38, 1-based): chr6:7,571,538, C>A. VCF-style: chr6-7571538-C-A. GRCh37 (hg19) VCF-style: chr6-7571771-C-A.
Other names: c.1857C>A, p.Tyr619Ter (NM_001008844.3, NM_001319034.2); c.1857C>A (LRG_423t1); short protein forms Y619*.
Identifiers: ClinVar variation 519028 (VCV000519028.8), dbSNP rs1554107097, ClinGen allele CA362679583.